The following is an entry in ClinVar:

NM_004415.4(DSP):c.7571C>G (p.Thr2524Arg)

Gene: DSP (desmoplakin; plus strand). Cytogenetic location: 6p24.3.
Variant type: single nucleotide variant.
Coding change: c.7571C>G on transcript NM_004415.4 (MANE Select); coding-DNA position 7571, C replaced by G.
Protein change: p.Thr2524Arg; replaces threonine 2524 with arginine.
Molecular consequence: missense variant.
Genome position (GRCh38, 1-based): chr6:7,584,833, C>G. VCF-style: chr6-7584833-C-G. GRCh37 (hg19) VCF-style: chr6-7585066-C-G.
Other names: c.5774C>G, p.Thr1925Arg (NM_001008844.3); c.6242C>G, p.Thr2081Arg (NM_001319034.2); short protein forms T1925R, T2081R, T2524R.
Identifiers: ClinVar variation 3070106 (VCV003070106.1), dbSNP rs2533946713, ClinGen allele CA362693305.
Genomic context (GRCh38, chr6:7,584,833, plus strand): 5'-AAGAAATAACCATCACGGGATCAGATGGCTCCACCAGGGTGGTCCTGGTAGATAGAAAGA[C>G]AGGCAGTCAGTATGATATTCAAGATGCTATTGACAAGGGCCTTGTTGACAGGAAGTTCTT-3'
Protein context (NP_004406.2, residues 2514-2534): STRVVLVDRK[Thr2524Arg]GSQYDIQDAI

ClinVar aggregate classification (germline): Uncertain significance (1 of 4 stars; one submission).

Conditions:
Arrhythmogenic cardiomyopathy with wooly hair and keratoderma. Also called: Carvajal syndrome; PALMOPLANTAR KERATODERMA WITH LEFT VENTRICULAR CARDIOMYOPATHY AND WOOLLY HAIR; Dilated cardiomyopathy with woolly hair and keratoderma; Arrhythmogenic cardiomyopathy with woolly hair and keratoderma. Identifiers: Orphanet 65282, MedGen C1854063, MONDO:0011581, OMIM 605676.

gnomAD v4.1: 1 of 1,614,192 alleles (0.000062%); highest among the groups gnomAD compares: Non-Finnish European, 0.000085%; no homozygotes.

Submission:

All of Us Research Program, National Institutes of Health
Classification: Uncertain significance for Arrhythmogenic cardiomyopathy with wooly hair and keratoderma. Last evaluated: 2023-04-03. Review status: criteria provided, single submitter. Criteria: ACMG Guidelines, 2015. Collection method: clinical testing. Allele origin: germline. Inheritance: Autosomal dominant inheritance. Observed: 1 variant allele, 1 heterozygote.
Comment: This missense variant replaces threonine with arginine at codon 2524 of the DSP protein. Computational prediction suggests that this variant may not impact protein structure and function (internally defined REVEL score threshold <= 0.5, PMID: 27666373). To our knowledge, functional studies have not been reported for this variant. This variant has not been reported in individuals affected with DSP-related disorders in the literature. This variant has not been identified in the general population by the Genome Aggregation Database (gnomAD). The available evidence is insufficient to determine the role of this variant in disease conclusively. Therefore, this variant is classified as a Variant of Uncertain Significance.

This study involves interpretation of variants in research participants for the purpose of population health screening. Participant phenotype was not available at the time of variant classification. Additional details can be found in publication PMID: 35346344, PMCID: PMC8962531